The following is an entry in ClinVar:

NM_000156.6(GAMT):c.59G>T (p.Trp20Leu)

Genes: GAMT (guanidinoacetate N-methyltransferase; minus strand), LOC130062945 (ATAC-STARR-seq lymphoblastoid silent region 9707; plus strand). Cytogenetic location: 19p13.3.
Variant type: single nucleotide variant.
Coding change: c.59G>T on transcript NM_000156.6 (MANE Select); coding-DNA position 59, G replaced by T.
Protein change: p.Trp20Leu; replaces tryptophan 20 with leucine.
Molecular consequence: missense variant.
Genome position (GRCh38, 1-based): chr19:1,401,418, C>A on the plus strand (G>T on the coding strand, the complement: GAMT is on the minus strand). VCF-style: chr19-1401418-C-A. GRCh37 (hg19) VCF-style: chr19-1401417-C-A.
Other names: NM_000156.6(GAMT):c.59G>T; p.Trp20Leu; c.59G>T, p.Trp20Leu (NM_138924.3); short protein forms W20L.
Identifiers: ClinVar variation 588631 (VCV000588631.15), dbSNP rs80338734, ClinGen allele CA402998326.

ClinVar aggregate classification (germline): Uncertain significance. Review status: reviewed by expert panel (3 of 4 stars). 5 submissions from 5 submitters: Uncertain significance (1). 4 of the submissions do not count toward it. Last evaluated 2026-04-20.

Conditions:
Inborn genetic diseases. Identifiers: MedGen C0950123, MeSH D030342.
Deficiency of guanidinoacetate methyltransferase (CCDS2). Also called: CEREBRAL CREATINE DEFICIENCY SYNDROME 2; Guanidinoacetate Methyltransferase (GAMT) Deficiency; GAMT DEFICIENCY. Identifiers: Orphanet 382, MedGen C0574080, MONDO:0012999, OMIM 612736.
Cerebral creatine deficiency syndrome. Also called: Creatine deficiency syndromes. Identifiers: Orphanet 79172, MedGen C5244016, MONDO:0000456.

Allele frequency attached by ClinVar (database versions not stated): TOPMed 0.00002.
gnomAD v4.1: 16 of 1,448,638 alleles (0.0011%); highest among the groups gnomAD compares: African/African-American, 0.0059%; no homozygotes.

Submissions (5):

ClinGen Cerebral Creatine Deficiency Syndromes Variant Curation Expert Panel, ClinGen
Classification: Uncertain significance for Deficiency of guanidinoacetate methyltransferase. Last evaluated: 2026-04-20. Review status: reviewed by expert panel. Criteria: ClinGen CCDS ACMG Specifications GAMT V2.0.0. Collection method: curation. Allele origin: germline. Inheritance: Autosomal recessive inheritance.
Comment: The NM_000156.6:c.59G>T variant in GAMT is a missense variant that is predicted to result in the substitution of tryptophan by leucine at amino acid 20 (p.Trp20Leu). To our knowledge, this variant has not been reported in individuals with GAMT deficiency and functional studies have not been performed. The computational predictor REVEL gives a score of 0.804 which is in the range of 0.773-0.932, evidence that correlates with impact to GAMT function at the moderate level (PMID: 36413997) (PP3_Moderate). Another missense variants at the same amino acid residue, c.59G>C (p.Trp20Ser) (ClinVar ID 8303), has been classified as pathogenic by the ClinGen CCDS VCEP. In addition, c.60G>C (p.Trp20Cys) has been reported in ClinVar (ClinVar ID: 3719450) (PM5). The highest population minor allele frequency in gnomAD v4.1.0. is 0.00005886 (4/67960 alleles) in the African / African-American population, which is lower than the ClinGen CCDS VCEP’s threshold for PM2_Supporting (<0.0004), meeting this criterion (PM2_Supporting). There is a ClinVar entry for this variant (Variation ID: 588631). In summary, this variant meets the criteria to be classified as uncertain significance for GAMT deficiency based on the GAMT-specific ACMG/AMP criteria applied, as specified by the ClinGen Cerebral Creatine Deficiency Syndromes Variant Curation Expert Panel (Specifications Version 2.0.0): PM5, PP3_Moderate, PM2_Supporting (Classification approved by the ClinGen Cerebral Creatine Deficiency Syndromes Variant Curation Expert Panel on April 20, 2026)

Labcorp Genetics (formerly Invitae), Labcorp
Classification: Likely pathogenic for Cerebral creatine deficiency syndrome. Last evaluated: 2026-01-11. Review status: criteria provided, single submitter. Criteria: Invitae Variant Classification Sherloc (09022015). Collection method: clinical testing. Allele origin: germline. Not counted in ClinVar's aggregate classification.
Comment: This sequence change replaces tryptophan, which is neutral and slightly polar, with leucine, which is neutral and non-polar, at codon 20 of the GAMT protein (p.Trp20Leu). This variant is not present in population databases (gnomAD no frequency). This variant has not been reported in the literature in individuals affected with GAMT-related conditions. ClinVar contains an entry for this variant (Variation ID: 588631). Invitae Evidence Modeling of protein sequence and biophysical properties (such as structural, functional, and spatial information, amino acid conservation, physicochemical variation, residue mobility, and thermodynamic stability) indicates that this missense variant is expected to disrupt GAMT protein function with a positive predictive value of 95%. This variant disrupts the p.Trp20 amino acid residue in GAMT. Other variant(s) that disrupt this residue have been determined to be pathogenic (PMID: 15651030, 16855203, 17336114). This suggests that this residue is clinically significant, and that variants that disrupt this residue are likely to be disease-causing. In summary, the currently available evidence indicates that the variant is pathogenic, but additional data are needed to prove that conclusively. Therefore, this variant has been classified as Likely Pathogenic.

Women's Health and Genetics/Laboratory Corporation of America, LabCorp
Classification: Uncertain significance. Last evaluated: 2025-07-31. Review status: criteria provided, single submitter. Criteria: LabCorp Variant Classification Summary - May 2015. Collection method: clinical testing. Allele origin: germline. Not counted in ClinVar's aggregate classification.
Comment: Variant summary: GAMT c.59G>T (p.Trp20Leu) results in a non-conservative amino acid change located in the Arginine N-methyltransferase 2-like domain (IPR026480) of the encoded protein sequence. Algorithms developed to predict the effect of missense changes on protein structure and function all suggest that this variant is likely to be disruptive. The variant was absent in 74462 control chromosomes. The available data on variant occurrences in the general population are insufficient to allow any conclusion about variant significance. To our knowledge, no occurrence of c.59G>T in individuals affected with Cerebral Creatine Deficiency Syndrome 2 and no experimental evidence demonstrating its impact on protein function have been reported. A different variant affecting the same codon has been classified as pathogenic by our lab (c.59G>C, p.Trp20Ser), however this evidence is not sufficient to associate the current variant with disease. ClinVar contains an entry for this variant (Variation ID: 588631). Based on the evidence outlined above, the variant was classified as uncertain significance.

Blueprint Genetics
Classification: Uncertain significance. Last evaluated: 2023-09-29. Review status: criteria provided, single submitter. Criteria: ACMG Guidelines, 2015. Collection method: clinical testing. Allele origin: germline. Not counted in ClinVar's aggregate classification.

Ambry Genetics
Classification: Likely pathogenic for Inborn genetic diseases. Last evaluated: 2017-01-05. Review status: criteria provided, single submitter. Criteria: Ambry Variant Classification Scheme 2023. Collection method: clinical testing. Allele origin: germline. Not counted in ClinVar's aggregate classification.
Comment: The p.W20L variant (also known as c.59G>T), located in coding exon 1 of the GAMT gene, results from a G to T substitution at nucleotide position 59. The tryptophan at codon 20 is replaced by leucine, an amino acid with similar properties. One disease-causing mutation, p.W20S, has been described in the same codon. Based on internal structural assessment, this alteration will weaken binding of the substrate S-adenosyl-methinine, impairing protein function {Unpublished structure - PDB: 3ORH}. This amino acid position is highly conserved in available vertebrate species. In addition, the in silico prediction for this alteration is inconclusive. Based on the majority of available evidence to date, this variant is likely to be pathogenic.

Literature cited by the submitters: PubMed 15651030 (cited by Labcorp Genetics (formerly Invitae), Labcorp); PubMed 16855203 (cited by Labcorp Genetics (formerly Invitae), Labcorp); PubMed 17336114 (cited by Labcorp Genetics (formerly Invitae), Labcorp).